The following is an entry in ClinVar:

ClinVar aggregate classification (germline): Likely benign. Review status: criteria provided, multiple submitters, no conflicts (2 of 4 stars). 4 submissions from 4 submitters: Likely benign (4). Last evaluated 2026-01-01.

Conditions:
Multiple endocrine neoplasia, type 2 (MEN2). Identifiers: Orphanet 653, MedGen C4048306, MONDO:0019003. Disease mechanism: gain of function.
Hereditary cancer-predisposing syndrome. Also called: Neoplastic Syndromes, Hereditary; Tumor predisposition; Hereditary neoplastic syndrome; Hereditary Cancer Syndrome. Identifiers: Orphanet 140162, MedGen C0027672, MeSH D009386, MONDO:0015356.

Submissions (4):

CeGaT Center for Human Genetics Tuebingen
Classification: Likely benign. Last evaluated: 2026-01-01. Review status: criteria provided, single submitter. Criteria: CeGaT Center For Human Genetics Tuebingen Variant Classification Criteria Version 2. Collection method: clinical testing. Allele origin: germline. Affected: yes. Observed: 1 variant allele.
Comment: RET: BP4, BP7

All of Us Research Program, National Institutes of Health
Classification: Likely benign for Multiple endocrine neoplasia, type 2. Last evaluated: 2024-02-05. Review status: criteria provided, single submitter. Criteria: ACMG Guidelines, 2015. Collection method: clinical testing. Allele origin: germline. Inheritance: Autosomal dominant inheritance. Observed: 1 variant allele, 1 heterozygote.
Comment: This study involves interpretation of variants in research participants for the purpose of population health screening. Participant phenotype was not available at the time of variant classification. Additional details can be found in publication PMID: 35346344, PMCID: PMC8962531

Ambry Genetics
Classification: Likely benign for Hereditary cancer-predisposing syndrome. Last evaluated: 2022-10-19. Review status: criteria provided, single submitter. Criteria: Ambry Variant Classification Scheme 2023. Collection method: clinical testing. Allele origin: germline.

Labcorp Genetics (formerly Invitae), Labcorp
Classification: Likely benign for Multiple endocrine neoplasia, type 2. Last evaluated: 2019-02-25. Review status: criteria provided, single submitter. Criteria: Invitae Variant Classification Sherloc (09022015). Collection method: clinical testing. Allele origin: germline.

NM_020975.6(RET):c.1509A>T (p.Thr503=)

Gene: RET (ret proto-oncogene; plus strand). Cytogenetic location: 10q11.21.
Variant type: single nucleotide variant.
Coding change: c.1509A>T on transcript NM_020975.6 (MANE Select); coding-DNA position 1509, A replaced by T.
Protein change: p.Thr503=; no amino-acid change (threonine 503 retained).
Molecular consequence: synonymous variant. On other transcripts: intron variant (15).
Genome position (GRCh38, 1-based): chr10:43,111,452, A>T. VCF-style: chr10-43111452-A-T. GRCh37 (hg19) VCF-style: chr10-43606900-A-T.
Other names: c.1509A>T, p.Thr503= (NM_000323.2, NM_001406743.1, NM_001406744.1 and 6 more transcripts); c.747A>T, p.Thr249= (NM_001355216.2); c.1380A>T, p.Thr460= (NM_001406761.1, NM_001406762.1, NM_001406764.1 and 1 more transcripts); c.1221A>T, p.Thr407= (NM_001406766.1, NM_001406767.1, NM_001406770.1); c.1113A>T, p.Thr371= (NM_001406769.1, NM_001406772.1); c.1071A>T, p.Thr357= (NM_001406771.1, NM_001406773.1); c.984A>T, p.Thr328= (NM_001406774.1); c.783A>T, p.Thr261= (NM_001406775.1, NM_001406776.1, NM_001406777.1 and 1 more transcripts); and 5 more.
Identifiers: ClinVar variation 1099391 (VCV001099391.12), dbSNP rs1837925419, ClinGen allele CA469479457.